The following is an entry in ClinVar:

ClinVar aggregate classification (germline): Benign. Review status: reviewed by expert panel (3 of 4 stars). 13 submissions from 13 submitters: Benign (1). 12 of the submissions do not count toward it. Last evaluated 2026-01-25.

Conditions:
RPGR-related retinopathy. Also called: RPGR retinopathy. Identifiers: MedGen CN305589, MONDO:0100437.
Primary ciliary dyskinesia. Also called: Ciliary dyskinesia. Identifiers: Orphanet 244, MedGen C0008780, MONDO:0016575, HP:0012265.

Allele frequency attached by ClinVar (database versions not stated): 1000 Genomes Project 0.00026; gnomAD 0.00034 and 0.00038; TOPMed 0.00036; gnomAD exomes 0.00040 and 0.00051; 1000 Genomes Project 30x 0.00021; ExAC 0.00077.
gnomAD v4.1: 512 of 1,204,786 alleles (0.042%); highest among the groups gnomAD compares: Middle Eastern, 0.9%; no homozygotes.

Submissions (13):

ClinGen X-linked Inherited Retinal Disease Variant Curation Expert Panel, ClinGen
Classification: Benign for RPGR-related retinopathy. Last evaluated: 2026-01-25. Review status: reviewed by expert panel. Criteria: ClinGen X LinkedIRD ACMG Specifications RPGR V1.0.0. Collection method: curation. Allele origin: germline. Inheritance: X-linked inheritance.
Comment: NM_001034853.2(RPGR):c.141T>G (p.Ser47=) is a synonymous variant in exon 2 of RPGR (BP7). The splicing impact predictor SpliceAI gives a delta score of 0.00, which is below the ClinGen X-linked IRD VCEP recommended threshold of <0.1 and does not strongly predict an impact on splicing (BP4). This variant is present in gnomAD v.4.1.0 at a frequency of 0.0004126 among hemizygous individuals, with 162 variant alleles / 392,654 total hemizygous alleles, which is higher than the ClinGen X-linked IRD VCEP BA1 threshold of >0.00005 (BA1). In summary, this variant is classified as benign for RPGR-related retinopathy based on the ClinGen X-linked Inherited Retinal Disease Expert Panel Specifications to the ACMG/AMP Variant Interpretation Guidelines for RPGR Version 1.0.0; BA1, BP4, and BP7.

Labcorp Genetics (formerly Invitae), Labcorp
Classification: Benign for Primary ciliary dyskinesia. Last evaluated: 2026-01-27. Review status: criteria provided, single submitter. Criteria: Invitae Variant Classification Sherloc (09022015). Collection method: clinical testing. Allele origin: germline. Not counted in ClinVar's aggregate classification.

Blueprint Genetics
Classification: Likely benign. Last evaluated: 2024-11-11. Review status: criteria provided, single submitter. Criteria: ACMG Guidelines, 2015. Collection method: clinical testing. Allele origin: germline. Not counted in ClinVar's aggregate classification.

CeGaT Center for Human Genetics Tuebingen
Classification: Likely benign. Last evaluated: 2023-06-01. Review status: criteria provided, single submitter. Criteria: CeGaT Center For Human Genetics Tuebingen Variant Classification Criteria Version 2. Collection method: clinical testing. Allele origin: germline. Affected: yes. Observed: 3 variant alleles. Not counted in ClinVar's aggregate classification.
Comment: RPGR: BP4, BS2

ARUP Laboratories, Molecular Genetics and Genomics, ARUP Laboratories
Classification: Benign. Last evaluated: 2018-09-27. Review status: criteria provided, single submitter. Criteria: ARUP Molecular Germline Variant Investigation Process. Collection method: clinical testing. Allele origin: germline. Not counted in ClinVar's aggregate classification.

Laboratory for Molecular Medicine, Mass General Brigham Personalized Medicine
Classification: Likely benign. Last evaluated: 2016-06-07. Review status: criteria provided, single submitter. Criteria: LMM Criteria. Collection method: clinical testing. Allele origin: germline. Observed: 1 variant allele. Not counted in ClinVar's aggregate classification.
Comment: p.Ser47Ser in exon 2 of RPGR: This variant is not expected to have clinical sign ificance because it does not alter an amino acid residue and is not located with in the splice consensus sequence. It has been identified in 0.1% (47/34663) of E uropean chromosomes by the Exome Aggregation Consortium (ExAC; dbSNP rs62638631).

Eurofins Ntd Llc (ga)
Classification: Likely benign. Last evaluated: 2015-08-27. Review status: criteria provided, single submitter. Criteria: EGL Classification Definitions 2015. Collection method: clinical testing. Allele origin: germline. Observed: 1 variant allele, 1 heterozygote. Not counted in ClinVar's aggregate classification.

Ambry Genetics
Classification: Likely benign for Primary ciliary dyskinesia. Last evaluated: 2015-03-25. Review status: criteria provided, single submitter. Criteria: Ambry Variant Classification Scheme 2023. Collection method: clinical testing. Allele origin: germline. Not counted in ClinVar's aggregate classification.

Breakthrough Genomics
Classification: Likely benign. Review status: criteria provided, single submitter. Criteria: ACMG Guidelines, 2015. Collection method: not provided. Allele origin: germline. Inheritance: X-linked inheritance. Affected: yes. Not counted in ClinVar's aggregate classification.

PreventionGenetics, part of Exact Sciences
Classification: Likely benign. Review status: criteria provided, single submitter. Criteria: ACMG Guidelines, 2015. Collection method: clinical testing. Allele origin: germline. Not counted in ClinVar's aggregate classification.

Clinical Genetics DNA and cytogenetics Diagnostics Lab, Erasmus MC, Erasmus Medical Center
Classification: Likely benign. Review status: no assertion criteria provided. Collection method: clinical testing. Allele origin: germline. Affected: yes. Study: VKGL Data-share Consensus. Not counted in ClinVar's aggregate classification.

Clinical Genetics, Academic Medical Center
Classification: Benign. Review status: no assertion criteria provided. Collection method: clinical testing. Allele origin: germline. Affected: yes. Study: VKGL Data-share Consensus. Not counted in ClinVar's aggregate classification.

Retina International
No classification provided. Review status: no classification provided. Collection method: not provided. Allele origin: unknown. Not counted in ClinVar's aggregate classification.

NM_001034853.2(RPGR):c.141T>G (p.Ser47=)

Gene: RPGR (retinitis pigmentosa GTPase regulator; minus strand). Cytogenetic location: Xp11.4.
Variant type: single nucleotide variant.
Coding change: c.141T>G on transcript NM_001034853.2 (MANE Select); coding-DNA position 141, T replaced by G.
Protein change: p.Ser47=; no amino-acid change (serine 47 retained).
Molecular consequence: synonymous variant. On other transcripts: non-coding transcript variant (6).
Genome position (GRCh38, 1-based): chrX:38,323,412, A>C on the plus strand (T>G on the coding strand, the complement: RPGR is on the minus strand). VCF-style: chrX-38323412-A-C. GRCh37 (hg19) VCF-style: chrX-38182665-A-C.
Other names: NM_001034853.2(RPGR):c.141T>G; p.Ser47=; c.141T>G, p.Ser47= (NM_000328.3, NM_001367245.1, NM_001367246.1 and 4 more transcripts); c.171T>G, p.Ser57= (NM_001367248.1).
Identifiers: ClinVar variation 98741 (VCV000098741.60), dbSNP rs62638631, ClinGen allele CA226360.